The following is an entry in ClinVar:

NM_130849.4(SLC39A4):c.1659G>C (p.Leu553=)

Gene: SLC39A4 (solute carrier family 39 member 4; minus strand). Cytogenetic location: 8q24.3.
Variant type: single nucleotide variant.
Coding change: c.1659G>C on transcript NM_130849.4 (MANE Select); coding-DNA position 1659, G replaced by C.
Protein change: p.Leu553=; no amino-acid change (leucine 553 retained).
Molecular consequence: synonymous variant.
Genome position (GRCh38, 1-based): chr8:144,412,915, C>G on the plus strand (G>C on the coding strand, the complement: SLC39A4 is on the minus strand). VCF-style: chr8-144412915-C-G. GRCh37 (hg19) VCF-style: chr8-145638299-C-G.
Other names: c.165G>C, p.Leu55= (NM_001280557.2); c.1377G>C, p.Leu459= (NM_001374839.1); c.1584G>C, p.Leu528= (NM_017767.3).
Identifiers: ClinVar variation 709222 (VCV000709222.35), dbSNP rs143778004, ClinGen allele CA4941110.

ClinVar aggregate classification (germline): Benign/Likely benign. Review status: criteria provided, multiple submitters, no conflicts (2 of 4 stars). 4 submissions from 4 submitters: Benign (2); Likely benign (1). 1 of the submissions does not count toward it. Last evaluated 2026-07-01.

Conditions:
Hereditary acrodermatitis enteropathica (AEZ). Also called: Acrodermatitis enteropathica. Identifiers: Orphanet 37, MedGen C0221036, MONDO:0008713, OMIM 201100.

Allele frequency attached by ClinVar (database versions not stated): 1000 Genomes Project 0.00040; 1000 Genomes Project 30x 0.00047; ESP Exome Variant Server 0.00139; TOPMed 0.00147; gnomAD 0.00165 and 0.00170; gnomAD exomes 0.00254; ExAC 0.00262.
gnomAD v4.1: 2,281 of 1,607,602 alleles (0.14%); highest among the groups gnomAD compares: Middle Eastern, 1%; 36 homozygotes.

Submissions (4):

CeGaT Center for Human Genetics Tuebingen
Classification: Likely benign. Last evaluated: 2026-07-01. Review status: criteria provided, single submitter. Criteria: CeGaT Center For Human Genetics Tuebingen Variant Classification Criteria Version 2. Collection method: clinical testing. Allele origin: germline. Affected: yes. Observed: 3 variant alleles.
Comment: SLC39A4: BP4, BP7

Labcorp Genetics (formerly Invitae), Labcorp
Classification: Benign. Last evaluated: 2026-01-28. Review status: criteria provided, single submitter. Criteria: Invitae Variant Classification Sherloc (09022015). Collection method: clinical testing. Allele origin: germline.

Breakthrough Genomics
Classification: Benign. Review status: criteria provided, single submitter. Criteria: ACMG Guidelines, 2015. Collection method: not provided. Allele origin: germline. Inheritance: Autosomal recessive inheritance. Affected: yes.

Natera, Inc.
Classification: Benign for Acrodermatitis enteropathica. Last evaluated: 2020-09-16. Review status: no assertion criteria provided. Collection method: clinical testing. Allele origin: germline. Not counted in ClinVar's aggregate classification.